The following is an entry in ClinVar:

NM_206933.4(USH2A):c.6059C>G (p.Thr2020Arg)

Gene: USH2A (usherin; minus strand). Cytogenetic location: 1q41.
Variant type: single nucleotide variant.
Coding change: c.6059C>G on transcript NM_206933.4 (MANE Select); coding-DNA position 6059, C replaced by G.
Protein change: p.Thr2020Arg; replaces threonine 2020 with arginine.
Molecular consequence: missense variant.
Genome position (GRCh38, 1-based): chr1:216,048,638, G>C on the plus strand (C>G on the coding strand, the complement: USH2A is on the minus strand). VCF-style: chr1-216048638-G-C. GRCh37 (hg19) VCF-style: chr1-216221980-G-C.
Other names: c.6059C>G (NM_206933.2); short protein forms T2020R.
Identifiers: ClinVar variation 2167035 (VCV002167035.3), dbSNP rs755067710, ClinGen allele CA1395244.

ClinVar aggregate classification (germline): Uncertain significance. Review status: criteria provided, multiple submitters, no conflicts (2 of 4 stars). 3 submissions from 3 submitters: Uncertain significance (3). Last evaluated 2026-01-23.

Allele frequency attached by ClinVar (database versions not stated): gnomAD exomes below 0.00001; ExAC 0.00001; gnomAD 0.00001; TOPMed 0.00002.
gnomAD v4.1: 5 of 1,613,866 alleles (0.00031%); highest among the groups gnomAD compares: African/African-American, 0.0067%; no homozygotes.

Submissions (3):

GeneDx
Classification: Uncertain significance. Last evaluated: 2026-01-23. Review status: criteria provided, single submitter. Criteria: GeneDx Variant Classification Process June 2021. Collection method: clinical testing. Allele origin: germline.
Comment: In silico analysis supports that this missense variant has a deleterious effect on protein structure/function; Has not been previously published as pathogenic or benign to our knowledge

Labcorp Genetics (formerly Invitae), Labcorp
Classification: Uncertain significance. Last evaluated: 2022-03-20. Review status: criteria provided, single submitter. Criteria: Invitae Variant Classification Sherloc (09022015). Collection method: clinical testing. Allele origin: germline.
Comment: This sequence change replaces threonine, which is neutral and polar, with arginine, which is basic and polar, at codon 2020 of the USH2A protein (p.Thr2020Arg). This variant is present in population databases (rs755067710, gnomAD 0.008%). This variant has not been reported in the literature in individuals affected with USH2A-related conditions. Algorithms developed to predict the effect of missense changes on protein structure and function are either unavailable or do not agree on the potential impact of this missense change (SIFT: "Deleterious"; PolyPhen-2: "Benign"; Align-GVGD: "Class C0"). In summary, the available evidence is currently insufficient to determine the role of this variant in disease. Therefore, it has been classified as a Variant of Uncertain Significance.

Blueprint Genetics
Classification: Uncertain significance. Last evaluated: 2021-06-20. Review status: criteria provided, single submitter. Criteria: ACMG Guidelines, 2015. Collection method: clinical testing. Allele origin: germline.